The following is an entry in ClinVar:

ClinVar aggregate classification (germline): Pathogenic/Likely pathogenic. Review status: criteria provided, multiple submitters, no conflicts (2 of 4 stars). 4 submissions from 4 submitters: Pathogenic (2); Likely pathogenic (2). Last evaluated 2024-10-08.

Conditions:
GCNT2-related disorder. Also called: GCNT2-related condition.
Cataract 13 with adult I phenotype. Identifiers: Orphanet 91492, MedGen C3805373, MONDO:0007289, OMIM 116700.
GCNT2-related disorders.

Allele frequency attached by ClinVar (database versions not stated): ExAC 0.00005; gnomAD exomes 0.00006 and 0.00012; ESP Exome Variant Server 0.00008; TOPMed 0.00008; gnomAD 0.00009.
gnomAD v4.1: 183 of 1,613,372 alleles (0.011%); highest among the groups gnomAD compares: Non-Finnish European, 0.014%; no homozygotes.

Submissions (4):

PreventionGenetics, part of Exact Sciences
Classification: Likely pathogenic for GCNT2-related condition. Last evaluated: 2024-10-08. Review status: criteria provided, single submitter. Criteria: ACMG Guidelines, 2015. Collection method: clinical testing. Allele origin: germline.
Comment: The GCNT2 c.1040A>G variant is predicted to result in the amino acid substitution p.Tyr347Cys. This variant has been reported to segregate in families with cataracts (Aldahmesh et al. 2012. PubMed ID: 22935719; Khan et al. 2015. PubMed ID: 26622071). This variant has been interpreted by a laboratory in ClinVar as pathogenic. This variant is reported in 0.011% of alleles in individuals of European (Non-Finnish) descent in gnomAD. This variant is interpreted as likely pathogenic.

Genomic Medicine Center of Excellence, King Faisal Specialist Hospital and Research Centre
Classification: Likely pathogenic for Cataract 13 with adult I phenotype. Last evaluated: 2024-03-17. Review status: criteria provided, single submitter. Criteria: ACMG Guidelines, 2015. Collection method: research. Allele origin: germline.

Blueprint Genetics
Classification: Pathogenic for GCNT2-related disorders. Last evaluated: 2023-07-31. Review status: criteria provided, single submitter. Criteria: ACMG Guidelines, 2015. Collection method: clinical testing. Allele origin: germline. Affected: yes. Observed: 5 variant alleles.

Labcorp Genetics (formerly Invitae), Labcorp
Classification: Pathogenic for Cataract 13 with adult I phenotype. Last evaluated: 2019-12-31. Review status: criteria provided, single submitter. Criteria: Invitae Variant Classification Sherloc (09022015). Collection method: clinical testing. Allele origin: germline.
Comment: For these reasons, this variant has been classified as Pathogenic. Algorithms developed to predict the effect of missense changes on protein structure and function are either unavailable or do not agree on the potential impact of this missense change (SIFT: "Deleterious"; PolyPhen-2: "Probably Damaging"; Align-GVGD: "Class C0"). This variant has been observed in individual(s) with congenital cataracts (PMID: 22935719, 25457163, Invitae). It has also been observed to segregate with disease in related individuals. This variant is present in population databases (rs148284531, ExAC 0.009%). This sequence change replaces tyrosine with cysteine at codon 347 of the GCNT2 protein (p.Tyr347Cys). The tyrosine residue is moderately conserved and there is a large physicochemical difference between tyrosine and cysteine.

Literature cited by the submitters: PubMed 22935719 (cited by Labcorp Genetics (formerly Invitae), Labcorp); PubMed 25457163 (cited by Labcorp Genetics (formerly Invitae), Labcorp).

NM_145649.5(GCNT2):c.1046A>G (p.Tyr349Cys)

Gene: GCNT2 (glucosaminyl (N-acetyl) transferase 2 (I blood group); plus strand). Cytogenetic location: 6p24.2.
Variant type: single nucleotide variant.
Coding change: c.1046A>G on transcript NM_145649.5 (MANE Select); coding-DNA position 1046, A replaced by G.
Protein change: p.Tyr349Cys; replaces tyrosine 349 with cysteine.
Molecular consequence: missense variant.
Genome position (GRCh38, 1-based): chr6:10,626,444, A>G. VCF-style: chr6-10626444-A-G. GRCh37 (hg19) VCF-style: chr6-10626677-A-G.
Other names: c.1046A>G, p.Tyr349Cys (NM_001374747.1, NM_145655.4); c.1040A>G, p.Tyr347Cys (NM_001491.3); short protein forms Y347C, Y349C.
Identifiers: ClinVar variation 844536 (VCV000844536.13), dbSNP rs148284531, ClinGen allele CA3632381.